The following is an entry in ClinVar:

ClinVar aggregate classification (germline): Uncertain significance (1 of 4 stars; one submission).

Allele frequency attached by ClinVar (database versions not stated): gnomAD exomes 0.00001; gnomAD 0.00001.

Submission:

Labcorp Genetics (formerly Invitae), Labcorp
Classification: Uncertain significance. Last evaluated: 2021-01-09. Review status: criteria provided, single submitter. Criteria: Invitae Variant Classification Sherloc (09022015). Collection method: clinical testing. Allele origin: germline.
Comment: This variant is not present in population databases (ExAC no frequency). This sequence change replaces arginine with tryptophan at codon 1224 of the POLR2A protein (p.Arg1224Trp). The arginine residue is weakly conserved and there is a moderate physicochemical difference between arginine and tryptophan. In summary, the available evidence is currently insufficient to determine the role of this variant in disease. Therefore, it has been classified as a Variant of Uncertain Significance. Algorithms developed to predict the effect of missense changes on protein structure and function are either unavailable or do not agree on the potential impact of this missense change (SIFT: "Deleterious"; PolyPhen-2: "Probably Damaging"; Align-GVGD: "Class C0"). This variant has not been reported in the literature in individuals with POLR2A-related conditions.

NM_000937.5(POLR2A):c.3670C>T (p.Arg1224Trp)

Gene: POLR2A (RNA polymerase II subunit A; plus strand). Cytogenetic location: 17p13.1.
Variant type: single nucleotide variant.
Coding change: c.3670C>T on transcript NM_000937.5 (MANE Select); coding-DNA position 3670, C replaced by T.
Protein change: p.Arg1224Trp; replaces arginine 1224 with tryptophan.
Molecular consequence: missense variant.
Genome position (GRCh38, 1-based): chr17:7,509,148, C>T. VCF-style: chr17-7509148-C-T. GRCh37 (hg19) VCF-style: chr17-7412467-C-T.
Other names: short protein forms R1224W.
Identifiers: ClinVar variation 1480677 (VCV001480677.8), dbSNP rs547350963, ClinGen allele CA397812038.